The following is an entry in ClinVar:

ClinVar aggregate classification (germline): Uncertain significance. Review status: criteria provided, multiple submitters, no conflicts (2 of 4 stars). 3 submissions from 3 submitters: Uncertain significance (3). Last evaluated 2023-12-05.

Conditions:
Hereditary cancer-predisposing syndrome. Also called: Neoplastic Syndromes, Hereditary; Tumor predisposition; Hereditary Cancer Syndrome; Hereditary neoplastic syndrome. Identifiers: Orphanet 140162, MedGen C0027672, MeSH D009386, MONDO:0015356.
Familial cancer of breast. Also called: BREAST CANCER, FAMILIAL; Hereditary breast cancer; hereditary breast carcinoma. Identifiers: Orphanet 227535, MedGen C0346153, MONDO:0016419, OMIM 114480. Disease mechanism: loss of function.

Submissions (3):

Color Diagnostics, LLC DBA Color Health
Classification: Uncertain significance for Hereditary cancer-predisposing syndrome. Last evaluated: 2023-12-05. Review status: criteria provided, single submitter. Criteria: ACMG Guidelines, 2015. Collection method: clinical testing. Allele origin: germline.
Comment: This missense variant replaces glycine with arginine at codon 176 of the CHEK2 protein. Computational prediction suggests that this variant may have deleterious impact on protein structure and function (internally defined REVEL score threshold >= 0.7, PMID: 27666373). To our knowledge, functional studies have not been reported for this variant. This variant has not been reported in individuals affected with CHEK2-related disorders in the literature. This variant has not been identified in the general population by the Genome Aggregation Database (gnomAD). The available evidence is insufficient to determine the role of this variant in disease conclusively. Therefore, this variant is classified as a Variant of Uncertain Significance.

Ambry Genetics
Classification: Uncertain significance for Hereditary cancer-predisposing syndrome. Last evaluated: 2022-07-21. Review status: criteria provided, single submitter. Criteria: Ambry Variant Classification Scheme 2023. Collection method: clinical testing. Allele origin: germline.
Comment: The p.G176R variant (also known as c.526G>A), located in coding exon 3 of the CHEK2 gene, results from a G to A substitution at nucleotide position 526. The glycine at codon 176 is replaced by arginine, an amino acid with dissimilar properties. This variant was not reported in population based cohorts in the following databases: Database of Single Nucleotide Polymorphisms (dbSNP), NHLBI Exome Sequencing Project (ESP), and 1000 Genomes Project. In the ESP, this variant was not observed in 6503 samples (13006 alleles) with coverage at this position. To date, this alteration has been detected with an allele frequency of approximately 0.001% (greater than 200000 alleles tested) in our clinical cohort. This amino acid position is highly conserved in available vertebrate species. In addition, this alteration is predicted to be deleterious by in silico analysis. Since supporting evidence is limited at this time, the clinical significance of this alteration remains unclear.

Labcorp Genetics (formerly Invitae), Labcorp
Classification: Uncertain significance for Familial cancer of breast. Last evaluated: 2022-07-13. Review status: criteria provided, single submitter. Criteria: Invitae Variant Classification Sherloc (09022015). Collection method: clinical testing. Allele origin: germline.
Comment: In summary, the available evidence is currently insufficient to determine the role of this variant in disease. Therefore, it has been classified as a Variant of Uncertain Significance. Algorithms developed to predict the effect of missense changes on protein structure and function (SIFT, PolyPhen-2, Align-GVGD) all suggest that this variant is likely to be disruptive. ClinVar contains an entry for this variant (Variation ID: 483378). This variant has not been reported in the literature in individuals affected with CHEK2-related conditions. This variant is not present in population databases (gnomAD no frequency). This sequence change replaces glycine, which is neutral and non-polar, with arginine, which is basic and polar, at codon 176 of the CHEK2 protein (p.Gly176Arg).

NM_007194.4(CHEK2):c.526G>A (p.Gly176Arg)

Gene: CHEK2 (checkpoint kinase 2; minus strand). Cytogenetic location: 22q12.1.
Variant type: single nucleotide variant.
Coding change: c.526G>A on transcript NM_007194.4 (MANE Select); coding-DNA position 526, G replaced by A.
Protein change: p.Gly176Arg; replaces glycine 176 with arginine.
Molecular consequence: missense variant. On other transcripts: 5 prime UTR variant (2), intron variant (1).
Genome position (GRCh38, 1-based): chr22:28,725,043, C>T on the plus strand (G>A on the coding strand, the complement: CHEK2 is on the minus strand). VCF-style: chr22-28725043-C-T. GRCh37 (hg19) VCF-style: chr22-29121031-C-T.
Other names: c.655G>A, p.Gly219Arg (NM_001005735.3, NM_001438294.1); c.-252G>A (NM_001257387.3); c.-138G>A (NM_001437942.1); c.619G>A, p.Gly207Arg (NM_001438293.1, NM_001438295.1); c.526G>A, p.Gly176Arg (NM_145862.3); c.445-120G>A (NM_001349956.3); short protein forms G176R, G219R, G207R.
Identifiers: ClinVar variation 483378 (VCV000483378.19), dbSNP rs876661085, ClinGen allele CA411107312.